The following is an entry in ClinVar:

NM_001382567.1(STIM1):c.1583G>A (p.Ser528Asn)

Gene: STIM1 (stromal interaction molecule 1; plus strand). Cytogenetic location: 11p15.4.
Variant type: single nucleotide variant.
Coding change: c.1583G>A on transcript NM_001382567.1 (MANE Select); coding-DNA position 1583, G replaced by A.
Protein change: p.Ser528Asn; replaces serine 528 with asparagine.
Molecular consequence: missense variant. On other transcripts: non-coding transcript variant (3).
Genome position (GRCh38, 1-based): chr11:4,086,492, G>A. VCF-style: chr11-4086492-G-A. GRCh37 (hg19) VCF-style: chr11-4107722-G-A.
Other names: c.1490G>A, p.Ser497Asn (NM_001277961.3, NM_001277962.2, NM_003156.4); c.1268G>A, p.Ser423Asn (NM_001382566.1, NM_001382575.1, NM_001382576.1 and 3 more transcripts); c.1511G>A, p.Ser504Asn (NM_001382568.1); c.1355G>A, p.Ser452Asn (NM_001382569.1); c.1262G>A, p.Ser421Asn (NM_001382570.1); c.1010G>A, p.Ser337Asn (NM_001382571.1); c.1001G>A, p.Ser334Asn (NM_001382580.1, NM_001382581.1); short protein forms S334N, S504N, S423N, S452N, S528N, S337N, S497N, S421N.
Identifiers: ClinVar variation 1941422 (VCV001941422.5), dbSNP rs2498502419, ClinGen allele CA379194806.
Genomic context (GRCh38, chr11:4,086,492, plus strand): 5'-AAAGTGGGCTGGCCCCTCCTGACACTTTCTTTATTCTCCTTGCAGCCCCTAGCCTGCAGA[G>A]CAGTGTTCGGCAGCGCCTGACGGAGCCACAGCATGGCCTGGGATCTCAGAGGTTGGTAGA-3'
Protein context (NP_001369496.1, residues 518-538): LWKYPAPSLQ[Ser528Asn]SVRQRLTEPQ

ClinVar aggregate classification (germline): Uncertain significance (1 of 4 stars; one submission).

Conditions:
Stormorken syndrome (STRMK). Also called: THROMBOCYTOPATHY, ASPLENIA, AND MIOSIS. Identifiers: Orphanet 3204, MedGen C1861451, MONDO:0008497, OMIM 185070.
Combined immunodeficiency due to STIM1 deficiency. Also called: STIM1 DEFICIENCY; IMMUNODEFICIENCY 10. Identifiers: Orphanet 169090, Orphanet 317430, MedGen C2748557, MONDO:0013008, OMIM 612783.
Myopathy with tubular aggregates (TAM). Also called: Tubular Aggregate Myopathy. Identifiers: Orphanet 2593, MedGen C0410207, MONDO:0008051.

Submission:

Labcorp Genetics (formerly Invitae), Labcorp
Classification: Uncertain significance for Myopathy with tubular aggregates; Combined immunodeficiency due to STIM1 deficiency; Stormorken syndrome. Last evaluated: 2022-09-14. Review status: criteria provided, single submitter. Criteria: Invitae Variant Classification Sherloc (09022015). Collection method: clinical testing. Allele origin: germline.
Comment: This sequence change replaces serine, which is neutral and polar, with asparagine, which is neutral and polar, at codon 497 of the STIM1 protein (p.Ser497Asn). In summary, the available evidence is currently insufficient to determine the role of this variant in disease. Therefore, it has been classified as a Variant of Uncertain Significance. Algorithms developed to predict the effect of missense changes on protein structure and function (SIFT, PolyPhen-2, Align-GVGD) all suggest that this variant is likely to be tolerated. This variant has not been reported in the literature in individuals affected with STIM1-related conditions. This variant is not present in population databases (gnomAD no frequency).